The following is an entry in ClinVar:

NM_019851.3(FGF20):c.150C>A (p.Gly50=)

Genes: FGF20 (fibroblast growth factor 20; minus strand), LOC129999926 (ATAC-STARR-seq lymphoblastoid silent region 18958; plus strand). Cytogenetic location: 8p22.
Variant type: single nucleotide variant.
Coding change: c.150C>A on transcript NM_019851.3 (MANE Select); coding-DNA position 150, C replaced by A.
Protein change: p.Gly50=; no amino-acid change (glycine 50 retained).
Molecular consequence: synonymous variant.
Genome position (GRCh38, 1-based): chr8:17,001,883, G>T on the plus strand (C>A on the coding strand, the complement: FGF20 is on the minus strand). VCF-style: chr8-17001883-G-T. GRCh37 (hg19) VCF-style: chr8-16859392-G-T.
Identifiers: ClinVar variation 4979030 (VCV004979030.1).
Genomic context (GRCh38, chr8:17,001,883, plus strand): 5'-ATAGAGCTGCCGGCGGCGCAGGATGCCGTGCAGGTGCGCCAGCTGCGCAGCCCCCGGCCC[G>T]CCGCGCGCGCTCCGCTCCGCCGCGCTCCTGCGCTCGCCCAGCAGCGGCGGCCGCTCCCCG-3'
Protein context (NP_062825.1, residues 40-60): RRSAAERSAR[Gly50=]GPGAAQLAHL

ClinVar aggregate classification (germline): Likely benign (1 of 4 stars; one submission).

Conditions:
FGF20-related disorder. Also called: FGF20-related condition.

Submission:

PreventionGenetics, part of Exact Sciences
Classification: Likely benign for FGF20-related condition. Last evaluated: 2025-06-10. Review status: criteria provided, single submitter. Criteria: ACMG Guidelines, 2015. Collection method: clinical testing. Allele origin: germline.
Comment: This variant is classified as likely benign based on ACMG/AMP sequence variant interpretation guidelines (Richards et al. 2015 PMID: 25741868, with internal and published modifications).